The following is an entry in ClinVar:

NM_001276345.2(TNNT2):c.290T>G (p.Phe97Cys)

Gene: TNNT2 (troponin T2, cardiac type; minus strand). Cytogenetic location: 1q32.1.
Variant type: single nucleotide variant.
Coding change: c.290T>G on transcript NM_001276345.2 (MANE Select); coding-DNA position 290, T replaced by G.
Protein change: p.Phe97Cys; replaces phenylalanine 97 with cysteine.
Molecular consequence: missense variant.
Genome position (GRCh38, 1-based): chr1:201,365,614, A>C on the plus strand (T>G on the coding strand, the complement: TNNT2 is on the minus strand). VCF-style: chr1-201365614-A-C. GRCh37 (hg19) VCF-style: chr1-201334742-A-C.
Other names: c.257T>G, p.Phe86Cys (NM_001406725.1); c.260T>G, p.Phe87Cys (NM_001406726.1, NM_001406727.1, NM_001001430.3 and 3 more transcripts); c.290T>G, p.Phe97Cys (NM_000364.4, NM_001406723.1); c.287T>G, p.Phe96Cys (NM_001276346.2); c.245T>G, p.Phe82Cys (NM_001406728.1, NM_001001432.3); short protein forms F87C, F96C, F97C, F82C, F86C.
Identifiers: ClinVar variation 2202920 (VCV002202920.4), dbSNP rs2527024893, ClinGen allele CA344206642.

ClinVar aggregate classification (germline): Uncertain significance (1 of 4 stars; one submission).

Conditions:
Hypertrophic cardiomyopathy 2. Also called: TNNT2-Related Familial Hypertrophic Cardiomyopathy. Identifiers: MedGen C1861864, MONDO:0007266, OMIM 115195.
Dilated cardiomyopathy 1D. Identifiers: Orphanet 154, Orphanet 54260, MedGen C1832243, MONDO:0011095, OMIM 601494.
Cardiomyopathy, familial restrictive, 3. Identifiers: Orphanet 75249, MedGen C2676271, MONDO:0012900, OMIM 612422.

Submission:

Labcorp Genetics (formerly Invitae), Labcorp
Classification: Uncertain significance for Cardiomyopathy, familial restrictive, 3; Hypertrophic cardiomyopathy 2; Dilated cardiomyopathy 1D. Last evaluated: 2024-10-03. Review status: criteria provided, single submitter. Criteria: Invitae Variant Classification Sherloc (09022015). Collection method: clinical testing. Allele origin: germline.
Comment: This sequence change replaces phenylalanine, which is neutral and non-polar, with cysteine, which is neutral and slightly polar, at codon 87 of the TNNT2 protein (p.Phe87Cys). This variant is not present in population databases (gnomAD no frequency). This variant has not been reported in the literature in individuals affected with TNNT2-related conditions. ClinVar contains an entry for this variant (Variation ID: 2202920). Invitae Evidence Modeling of protein sequence and biophysical properties (such as structural, functional, and spatial information, amino acid conservation, physicochemical variation, residue mobility, and thermodynamic stability) has been performed for this missense variant. However, the output from this modeling did not meet the statistical confidence thresholds required to predict the impact of this variant on TNNT2 protein function. This variant disrupts the p.Phe87 amino acid residue in TNNT2. Other variant(s) that disrupt this residue have been determined to be pathogenic (PMID: 20038417). This suggests that this residue is clinically significant, and that variants that disrupt this residue are likely to be disease-causing. In summary, the available evidence is currently insufficient to determine the role of this variant in disease. Therefore, it has been classified as a Variant of Uncertain Significance.

Literature cited by the submitters: PubMed 20038417.